The following is an entry in ClinVar:

NM_012210.4(TRIM32):c.763G>T (p.Glu255Ter)

Genes: ASTN2 (astrotactin 2; minus strand), TRIM32 (tripartite motif containing 32; plus strand). Cytogenetic location: 9q33.1.
Variant type: single nucleotide variant.
Coding change: c.763G>T on transcript NM_012210.4 (MANE Select); coding-DNA position 763, G replaced by T.
Protein change: p.Glu255Ter; replaces glutamic acid 255 with a stop codon.
Molecular consequence: nonsense. On other transcripts: intron variant (3).
Genome position (GRCh38, 1-based): chr9:116,698,505, G>T. VCF-style: chr9-116698505-G-T. GRCh37 (hg19) VCF-style: chr9-119460784-G-T.
Other names: c.763G>T, p.Glu255Ter (NM_001099679.2, NM_001379048.1, NM_001379049.1 and 1 more transcripts); c.2653+27266C>A (NM_014010.5); c.2794+27266C>A (NM_001365069.1); c.2806+27266C>A (NM_001365068.1); short protein forms E255*.
Identifiers: ClinVar variation 2804891 (VCV002804891.3), dbSNP rs2491062333, ClinGen allele CA374649713.
Genomic context (GRCh38, chr9:116,698,505, plus strand): 5'-GCTGTGTCTCGCTGTGACTACTTCCTGGCCAAGATCAAGCAGGCAGATGTAGCACTACTG[G>T]AGGAGACAGCTGATGAGGAGGAGCCAGAGCTCACTGCCAGCTTGCCTCGGGAGCTCACCC-3'

ClinVar aggregate classification (germline): Pathogenic (1 of 4 stars; one submission).

Conditions:
Bardet-Biedl syndrome (BBS). Identifiers: Orphanet 110, MedGen C0752166, MONDO:0015229.

Submission:

Labcorp Genetics (formerly Invitae), Labcorp
Classification: Pathogenic for Bardet-Biedl syndrome. Last evaluated: 2023-05-30. Review status: criteria provided, single submitter. Criteria: Invitae Variant Classification Sherloc (09022015). Collection method: clinical testing. Allele origin: germline.
Comment: This sequence change creates a premature translational stop signal (p.Glu255*) in the TRIM32 gene. While this is not anticipated to result in nonsense mediated decay, it is expected to disrupt the last 399 amino acid(s) of the TRIM32 protein. This variant is not present in population databases (gnomAD no frequency). This variant has not been reported in the literature in individuals affected with TRIM32-related conditions. This variant disrupts a region of the TRIM32 protein in which other variant(s) (p.Val591Met) have been determined to be pathogenic (PMID: 30823891). This suggests that this is a clinically significant region of the protein, and that variants that disrupt it are likely to be disease-causing. For these reasons, this variant has been classified as Pathogenic.

Literature cited by the submitters: PubMed 30823891.